The following is an entry in ClinVar:

ClinVar aggregate classification (germline): Uncertain significance (1 of 4 stars; one submission).

Allele frequency attached by ClinVar (database versions not stated): ExAC 0.00001; gnomAD 0.00001; gnomAD exomes 0.00002.
gnomAD v4.1: 28 of 1,614,006 alleles (0.0017%); highest among the groups gnomAD compares: Non-Finnish European, 0.0024%; no homozygotes.

Submission:

Labcorp Genetics (formerly Invitae), Labcorp
Classification: Uncertain significance. Last evaluated: 2022-09-29. Review status: criteria provided, single submitter. Criteria: Invitae Variant Classification Sherloc (09022015). Collection method: clinical testing. Allele origin: germline.
Comment: In summary, the available evidence is currently insufficient to determine the role of this variant in disease. Therefore, it has been classified as a Variant of Uncertain Significance. Advanced modeling of protein sequence and biophysical properties (such as structural, functional, and spatial information, amino acid conservation, physicochemical variation, residue mobility, and thermodynamic stability) performed at Invitae indicates that this missense variant is not expected to disrupt NBAS protein function. This variant has not been reported in the literature in individuals affected with NBAS-related conditions. This variant is present in population databases (rs745854119, gnomAD 0.003%). This sequence change replaces threonine, which is neutral and polar, with methionine, which is neutral and non-polar, at codon 524 of the NBAS protein (p.Thr524Met).

NM_015909.4(NBAS):c.1571C>T (p.Thr524Met)

Gene: NBAS (NBAS subunit of NRZ tethering complex; minus strand). Cytogenetic location: 2p24.3.
Variant type: single nucleotide variant.
Coding change: c.1571C>T on transcript NM_015909.4 (MANE Select); coding-DNA position 1571, C replaced by T.
Protein change: p.Thr524Met; replaces threonine 524 with methionine.
Molecular consequence: missense variant. On other transcripts: non-coding transcript variant (1).
Genome position (GRCh38, 1-based): chr2:15,474,095, G>A on the plus strand (C>T on the coding strand, the complement: NBAS is on the minus strand). VCF-style: chr2-15474095-G-A. GRCh37 (hg19) VCF-style: chr2-15614219-G-A.
Other names: short protein forms T524M.
Identifiers: ClinVar variation 2082825 (VCV002082825.3), dbSNP rs745854119, ClinGen allele CA1536643.